The following is an entry in ClinVar:

NM_016604.4(KDM3B):c.1204G>A (p.Glu402Lys)

Gene: KDM3B (lysine demethylase 3B; plus strand). Cytogenetic location: 5q31.2.
Variant type: single nucleotide variant.
Coding change: c.1204G>A on transcript NM_016604.4 (MANE Select); coding-DNA position 1204, G replaced by A.
Protein change: p.Glu402Lys; replaces glutamic acid 402 with lysine.
Molecular consequence: missense variant.
Genome position (GRCh38, 1-based): chr5:138,386,445, G>A. VCF-style: chr5-138386445-G-A. GRCh37 (hg19) VCF-style: chr5-137722134-G-A.
Other names: short protein forms E402K.
Identifiers: ClinVar variation 2636669 (VCV002636669.3), dbSNP rs751167517, ClinGen allele CA3428865.

ClinVar aggregate classification (germline): Uncertain significance (0 of 4 stars; one submission).

Conditions:
KDM3B-related disorder. Also called: KDM3B-related condition.

Allele frequency attached by ClinVar (database versions not stated): ExAC 0.00002; TOPMed 0.00006; gnomAD 0.00007; gnomAD exomes 0.00007.
gnomAD v4.1: 113 of 1,614,008 alleles (0.007%); highest among the groups gnomAD compares: Non-Finnish European, 0.0091%; no homozygotes.

Submission:

PreventionGenetics, part of Exact Sciences
Classification: Uncertain significance for KDM3B-related condition. Last evaluated: 2024-01-15. Review status: no assertion criteria provided. Collection method: clinical testing. Allele origin: germline.
Comment: The KDM3B c.1204G>A variant is predicted to result in the amino acid substitution p.Glu402Lys. To our knowledge, this variant has not been reported in the literature. This variant is reported in 0.0085% of alleles in individuals of European (Non-Finnish) descent in gnomAD. At this time, the clinical significance of this variant is uncertain due to the absence of conclusive functional and genetic evidence.